The following is an entry in ClinVar:

ClinVar aggregate classification (germline): Conflicting classifications of pathogenicity. Review status: criteria provided, conflicting classifications (1 of 4 stars). 4 submissions from 4 submitters: Uncertain significance (3); Likely benign (1). Last evaluated 2025-04-15.

Conditions:
Hereditary cancer-predisposing syndrome. Also called: Tumor predisposition; Neoplastic Syndromes, Hereditary; Hereditary neoplastic syndrome; Hereditary Cancer Syndrome. Identifiers: Orphanet 140162, MedGen C0027672, MeSH D009386, MONDO:0015356.
Hereditary breast ovarian cancer syndrome. Also called: BRCA1- and BRCA2-Associated Hereditary Breast and Ovarian Cancer; Hereditary breast and/or ovarian cancer syndrome; Hereditary breast and ovarian cancer syndrome; Hereditary breast and ovarian cancer; Hereditary breast and ovarian cancer syndrome (HBOC); Breast and ovarian cancer. Identifiers: Orphanet 145, MedGen C0677776, MeSH D061325, MONDO:0003582. Disease mechanism: loss of function.

Submissions (4):

Women's Health and Genetics/Laboratory Corporation of America, LabCorp
Classification: Uncertain significance. Last evaluated: 2025-04-15. Review status: criteria provided, single submitter. Criteria: LabCorp Variant Classification Summary - May 2015. Collection method: clinical testing. Allele origin: germline.

University of Washington Department of Laboratory Medicine, University of Washington
Classification: Likely benign for Hereditary cancer-predisposing syndrome. Last evaluated: 2023-03-23. Review status: criteria provided, single submitter. Criteria: Dines et al. (Genet Med. 2020). Collection method: curation. Allele origin: germline.
Comment: Missense variant in a coldspot region where missense variants are very unlikely to be pathogenic (PMID:31911673).

BRCA2 exon 11 coldspot. Reclassification based on statistical prior probability.

Labcorp Genetics (formerly Invitae), Labcorp
Classification: Uncertain significance for Hereditary breast ovarian cancer syndrome. Last evaluated: 2022-10-13. Review status: criteria provided, single submitter. Criteria: Invitae Variant Classification Sherloc (09022015). Collection method: clinical testing. Allele origin: germline.
Comment: This variant is not present in population databases (gnomAD no frequency). This sequence change replaces methionine, which is neutral and non-polar, with valine, which is neutral and non-polar, at codon 2235 of the BRCA2 protein (p.Met2235Val). This variant has not been reported in the literature in individuals affected with BRCA2-related conditions. ClinVar contains an entry for this variant (Variation ID: 1020330). Advanced modeling of protein sequence and biophysical properties (such as structural, functional, and spatial information, amino acid conservation, physicochemical variation, residue mobility, and thermodynamic stability) performed at Invitae indicates that this missense variant is not expected to disrupt BRCA2 protein function. In summary, the available evidence is currently insufficient to determine the role of this variant in disease. Therefore, it has been classified as a Variant of Uncertain Significance.

Ambry Genetics
Classification: Uncertain significance for Hereditary cancer-predisposing syndrome. Last evaluated: 2021-12-30. Review status: criteria provided, single submitter. Criteria: Ambry Variant Classification Scheme 2023. Collection method: clinical testing. Allele origin: germline.
Comment: The p.M2235V variant (also known as c.6703A>G), located in coding exon 10 of the BRCA2 gene, results from an A to G substitution at nucleotide position 6703. The methionine at codon 2235 is replaced by valine, an amino acid with highly similar properties. This amino acid position is conserved. In addition, the in silico prediction for this alteration is inconclusive. Since supporting evidence is limited at this time, the clinical significance of this alteration remains unclear.

NM_000059.4(BRCA2):c.6703A>G (p.Met2235Val)

Gene: BRCA2 (BRCA2 DNA repair associated; plus strand). Cytogenetic location: 13q13.1.
Variant type: single nucleotide variant.
Coding change: c.6703A>G on transcript NM_000059.4 (MANE Select); coding-DNA position 6703, A replaced by G.
Protein change: p.Met2235Val; replaces methionine 2235 with valine.
Molecular consequence: missense variant.
Genome position (GRCh38, 1-based): chr13:32,341,058, A>G. VCF-style: chr13-32341058-A-G. GRCh37 (hg19) VCF-style: chr13-32915195-A-G.
Other names: short protein forms M2235V.
Identifiers: ClinVar variation 1020330 (VCV001020330.18), dbSNP rs2072563047, ClinGen allele CA387790647.